The following is an entry in ClinVar:

ClinVar aggregate classification (germline): Uncertain significance (1 of 4 stars; one submission).

Conditions:
CHARGE syndrome (CHARGE). Also called: Hittner Hirsch Kreh syndrome; CHARGE ASSOCIATION--COLOBOMA, HEART ANOMALY, CHOANAL ATRESIA, RETARDATION, GENITAL AND EAR ANOMALIES; Coloboma, heart anomaly, choanal atresia, retardation, genital and ear anomalies; CHARGE association; Hall-Hittner syndrome. Identifiers: Orphanet 138, MedGen C0265354, MONDO:0008965.

gnomAD v4.1: 1 of 1,613,840 alleles (0.000062%); no homozygotes.

Submission:

Labcorp Genetics (formerly Invitae), Labcorp
Classification: Uncertain significance for CHARGE syndrome. Last evaluated: 2022-03-01. Review status: criteria provided, single submitter. Criteria: Invitae Variant Classification Sherloc (09022015). Collection method: clinical testing. Allele origin: germline.
Comment: This variant is not present in population databases (gnomAD no frequency). This sequence change replaces arginine, which is basic and polar, with proline, which is neutral and non-polar, at codon 1939 of the CHD7 protein (p.Arg1939Pro). This variant has not been reported in the literature in individuals affected with CHD7-related conditions. Advanced modeling of protein sequence and biophysical properties (such as structural, functional, and spatial information, amino acid conservation, physicochemical variation, residue mobility, and thermodynamic stability) performed at Invitae indicates that this missense variant is not expected to disrupt CHD7 protein function. In summary, the available evidence is currently insufficient to determine the role of this variant in disease. Therefore, it has been classified as a Variant of Uncertain Significance.

NM_017780.4(CHD7):c.5816G>C (p.Arg1939Pro)

Gene: CHD7 (chromodomain helicase DNA binding protein 7; plus strand). Cytogenetic location: 8q12.2.
Variant type: single nucleotide variant.
Coding change: c.5816G>C on transcript NM_017780.4 (MANE Select); coding-DNA position 5816, G replaced by C.
Protein change: p.Arg1939Pro; replaces arginine 1939 with proline.
Molecular consequence: missense variant. On other transcripts: intron variant (1).
Genome position (GRCh38, 1-based): chr8:60,852,169, G>C. VCF-style: chr8-60852169-G-C. GRCh37 (hg19) VCF-style: chr8-61764728-G-C.
Other names: c.1717-10060G>C (NM_001316690.1); short protein forms R1939P.
Identifiers: ClinVar variation 2174439 (VCV002174439.4), dbSNP rs1024797402, ClinGen allele CA371323042.